The following is an entry in ClinVar:

ClinVar aggregate classification (germline): Uncertain significance (1 of 4 stars; one submission).

Submission:

GeneDx
Classification: Uncertain significance. Last evaluated: 2026-04-21. Review status: criteria provided, single submitter. Criteria: GeneDx Variant Classification Process June 2021. Collection method: clinical testing. Allele origin: germline.
Comment: Not observed at significant frequency in large population cohorts (gnomAD); In silico analysis suggests that this missense variant does not alter protein structure/function; Has not been previously published as pathogenic or benign to our knowledge

NM_152641.4(ARID2):c.4035C>A (p.Asp1345Glu)

Gene: ARID2 (AT-rich interaction domain 2; plus strand). Cytogenetic location: 12q12.
Variant type: single nucleotide variant.
Coding change: c.4035C>A on transcript NM_152641.4 (MANE Select); coding-DNA position 4035, C replaced by A.
Protein change: p.Asp1345Glu; replaces aspartic acid 1345 with glutamic acid.
Molecular consequence: missense variant.
Genome position (GRCh38, 1-based): chr12:45,852,158, C>A. VCF-style: chr12-45852158-C-A. GRCh37 (hg19) VCF-style: chr12-46245941-C-A.
Other names: c.4035C>A, p.Asp1345Glu (NM_001347839.2); short protein forms D1345E.
Identifiers: ClinVar variation 5037518 (VCV005037518.1).
Genomic context (GRCh38, chr12:45,852,158, plus strand): 5'-GCCATCATTGGAATTAGGTGAGAATGGAGCATCTGGGAAACAGAACTCAGAACAAATAGA[C>A]ATGCAAGATATCAAAAGTGATTTGAGAAAACCGCTAGTTAATGGAATCTGTGATTTTGAT-3'
Protein context (NP_689854.2, residues 1335-1355): ASGKQNSEQI[Asp1345Glu]MQDIKSDLRK